The following is an entry in ClinVar:

ClinVar aggregate classification (germline): Uncertain significance. Review status: criteria provided, multiple submitters, no conflicts (2 of 4 stars). 3 submissions from 3 submitters: Uncertain significance (3). Last evaluated 2025-10-23.

Conditions:
Cardiovascular phenotype. Identifiers: MedGen CN230736.

Submissions (3):

Mayo Clinic Laboratories, Mayo Clinic
Classification: Uncertain significance. Last evaluated: 2025-10-23. Review status: criteria provided, single submitter. Criteria: ACMG Guidelines, 2015. Collection method: clinical testing. Allele origin: germline. Observed: 1 variant allele.
Comment: PM4

Ambry Genetics
Classification: Uncertain significance for Cardiovascular phenotype. Last evaluated: 2025-09-02. Review status: criteria provided, single submitter. Criteria: Ambry Variant Classification Scheme 2023. Collection method: clinical testing. Allele origin: germline.
Comment: The c.79610_79612delAAG variant (also known as p.E26537del) is located in coding exon 187 of the TTN gene. This variant results from an in-frame AAG deletion at nucleotide positions 79610 to 79612. This results in the in-frame deletion of a glutamic acid at codon 26537. This amino acid position is not well conserved in available vertebrate species. In addition, this variant is predicted to be deleterious by in silico analysis (Choi Y et al. PLoS ONE. 2012; 7(10):e46688). Based on the available evidence, the clinical significance of this variant remains unclear.

Revvity Omics, Revvity
Classification: Uncertain significance. Last evaluated: 2024-06-28. Review status: criteria provided, single submitter. Criteria: ACMG Guidelines, 2015. Collection method: clinical testing. Allele origin: germline.

NM_001267550.2(TTN):c.106802AAG[1] (p.Glu35602del)

Genes: TTN (titin; minus strand), TTN-AS1 (TTN antisense RNA 1; plus strand). Cytogenetic location: 2q31.2.
Variant type: Microsatellite.
Coding change: c.106802AAG[1] on transcript NM_001267550.2 (MANE Select); one copy of the 3-base unit AAG starting at c.106802; the reference has two copies in a row; one copy, 3 bases deleted.
Protein change: p.Glu35602del; deletes glutamic acid 35602.
Molecular consequence: inframe deletion.
Genome position (GRCh38, 1-based): chr2:178,528,944-178,528,946, CTT deleted on the plus strand (AAG on the coding strand, the reverse complement: TTN is on the minus strand); deleting any 3 consecutive bases within chr2:178,528,944-178,528,951 gives the same sequence; the position shown is the placement nearest the transcript's 3' end. VCF-style (leftmost placement, unchanged base first): chr2-178528943-ACTT-A. GRCh37 (hg19) VCF-style: chr2-179393670-ACTT-A.
Other names: p.Glu33961del; c.79610_79612delAAG (NM_003319.4); c.101882_101884del (NM_001256850.1); c.101879AAG[1], p.Glu33961del (NM_001256850.1); c.79607AAG[1], p.Glu26537del (NM_003319.4); c.99098AAG[1], p.Glu33034del (NM_133378.4); c.79982AAG[1], p.Glu26662del (NM_133432.3); c.80183AAG[1], p.Glu26729del (NM_133437.4); and 1 more; short protein forms E26537del, E26662del, E26729del, E33034del, E33961del, E35602del.
Identifiers: ClinVar variation 2437782 (VCV002437782.5), dbSNP rs746621748, ClinGen allele CA1985042.
Genomic context (GRCh38, chr2:178,528,943, plus strand): 5'-CTTTGACCTTCGTTTATGCTCATCTGAGTAGAAAATGCTTTAATCTCAGCATGAGTTCTG[ACTT>A]CTTCTGATGCCTGTGATGTTTTAGTGATTTCCTCATGGACAATGGATTTTTCCAGGGAGG-3'